The following is an entry in ClinVar:

ClinVar aggregate classification (germline): Uncertain significance. Review status: criteria provided, multiple submitters, no conflicts (2 of 4 stars). 2 submissions from 2 submitters: Uncertain significance (2). Last evaluated 2025-08-12.

Conditions:
CAPRIN1-related disorder. Also called: CAPRIN1-related condition.

Submissions (2):

PreventionGenetics, part of Exact Sciences
Classification: Uncertain significance for CAPRIN1-related condition. Last evaluated: 2025-08-12. Review status: criteria provided, single submitter. Criteria: ACMG Guidelines, 2015. Collection method: clinical testing. Allele origin: germline.
Comment: The CAPRIN1 c.587A>C variant is predicted to result in the amino acid substitution p.Glu196Ala. To our knowledge, this variant has not been reported in the literature or in a large population database (gnomAD), indicating this variant is rare. At this time, the clinical significance of this variant is uncertain due to the absence of conclusive functional and genetic evidence.

GeneDx
Classification: Uncertain significance. Last evaluated: 2024-02-18. Review status: criteria provided, single submitter. Criteria: GeneDx Variant Classification Process June 2021. Collection method: clinical testing. Allele origin: germline. Affected: yes.
Comment: Not observed at significant frequency in large population cohorts (gnomAD); In silico analysis supports that this missense variant has a deleterious effect on protein structure/function; Has not been previously published as pathogenic or benign to our knowledge

NM_005898.5(CAPRIN1):c.587A>C (p.Glu196Ala)

Gene: CAPRIN1 (cell cycle associated protein 1; plus strand). Cytogenetic location: 11p13.
Variant type: single nucleotide variant.
Coding change: c.587A>C on transcript NM_005898.5 (MANE Select); coding-DNA position 587, A replaced by C.
Protein change: p.Glu196Ala; replaces glutamic acid 196 with alanine.
Molecular consequence: missense variant.
Genome position (GRCh38, 1-based): chr11:34,076,456, A>C. VCF-style: chr11-34076456-A-C. GRCh37 (hg19) VCF-style: chr11-34098003-A-C.
Other names: c.587A>C, p.Glu196Ala (NM_203364.3); short protein forms E196A.
Identifiers: ClinVar variation 3369415 (VCV003369415.2).
Genomic context (GRCh38, chr11:34,076,456, plus strand): 5'-CAATATTGTCCGAAGAGGAGTTGTCATTGTTGGATGAATTCTATAAGCTAGTAGACCCTG[A>C]ACGGGACATGAGCTTGAGGTATTAGTGGTATTTGATAATAGAAACTTCTGAGTATTTAAG-3'
Protein context (NP_005889.3, residues 186-206): LDEFYKLVDP[Glu196Ala]RDMSLRLNEQ